The following is an entry in ClinVar:

NM_018975.4(TERF2IP):c.215C>T (p.Ala72Val)

Gene: TERF2IP (TERF2 interacting protein; plus strand). Cytogenetic location: 16q23.1.
Variant type: single nucleotide variant.
Coding change: c.215C>T on transcript NM_018975.4 (MANE Select); coding-DNA position 215, C replaced by T.
Protein change: p.Ala72Val; replaces alanine 72 with valine.
Molecular consequence: missense variant. On other transcripts: non-coding transcript variant (1).
Genome position (GRCh38, 1-based): chr16:75,648,097, C>T. VCF-style: chr16-75648097-C-T. GRCh37 (hg19) VCF-style: chr16-75681995-C-T.
Other names: short protein forms A72V.
Identifiers: ClinVar variation 1786866 (VCV001786866.2), dbSNP rs2507073027, ClinGen allele CA396817454.

ClinVar aggregate classification (germline): Uncertain significance (1 of 4 stars; one submission).

gnomAD v4.1: 1 of 1,559,636 alleles (0.000064%); no homozygotes.

Submission:

Ambry Genetics
Classification: Uncertain significance. Last evaluated: 2021-11-16. Review status: criteria provided, single submitter. Criteria: Ambry Variant Classification Scheme 2023. Collection method: clinical testing. Allele origin: germline.
Comment: The p.A72V variant (also known as c.215C>T), located in coding exon 1 of the TERF2IP gene, results from a C to T substitution at nucleotide position 215. The alanine at codon 72 is replaced by valine, an amino acid with similar properties. This amino acid position is conserved. In addition, this alteration is predicted to be tolerated by in silico analysis. Since supporting evidence is limited at this time, the clinical significance of this alteration remains unclear.